The following is an entry in ClinVar:

NM_139343.3(BIN1):c.924C>T (p.Pro308=)

Gene: BIN1 (bridging integrator 1; minus strand). Cytogenetic location: 2q14.3.
Variant type: single nucleotide variant.
Coding change: c.924C>T on transcript NM_139343.3 (MANE Select); coding-DNA position 924, C replaced by T.
Protein change: p.Pro308=; no amino-acid change (proline 308 retained).
Molecular consequence: synonymous variant.
Genome position (GRCh38, 1-based): chr2:127,059,089, G>A on the plus strand (C>T on the coding strand, the complement: BIN1 is on the minus strand). VCF-style: chr2-127059089-G-A. GRCh37 (hg19) VCF-style: chr2-127816665-G-A.
Other names: c.876C>T, p.Pro292= (NM_001320632.2, NM_004305.4, NM_139346.3); c.924C>T, p.Pro308= (NM_001320633.2, NM_001320640.2, NM_139344.3 and 1 more transcripts); c.759C>T, p.Pro253= (NM_001320634.1); c.831C>T, p.Pro277= (NM_001320641.2, NM_139347.3, NM_139348.3 and 3 more transcripts); c.843C>T, p.Pro281= (NM_001320642.1).
Identifiers: ClinVar variation 288057 (VCV000288057.37), dbSNP rs367611371, ClinGen allele CA1857233.

ClinVar aggregate classification (germline): Conflicting classifications of pathogenicity. Review status: criteria provided, conflicting classifications (1 of 4 stars). 4 submissions from 4 submitters: Uncertain significance (1); Likely benign (3). Last evaluated 2025-12-14.

Conditions:
Myopathy, centronuclear, 2 (CNM2). Also called: MYOTUBULAR MYOPATHY, AUTOSOMAL RECESSIVE. Identifiers: Orphanet 169186, MedGen CN031787, MONDO:0009709, OMIM 255200.

Allele frequency attached by ClinVar (database versions not stated): ExAC 0.00005; gnomAD exomes 0.00005; TOPMed 0.00009; ESP Exome Variant Server 0.00015.
gnomAD v4.1: 237 of 1,592,304 alleles (0.015%); highest among the groups gnomAD compares: East Asian, 0.045%; no homozygotes.

Submissions (4):

Labcorp Genetics (formerly Invitae), Labcorp
Classification: Likely benign for Myopathy, centronuclear, 2. Last evaluated: 2025-12-14. Review status: criteria provided, single submitter. Criteria: Invitae Variant Classification Sherloc (09022015). Collection method: clinical testing. Allele origin: germline.

CeGaT Center for Human Genetics Tuebingen
Classification: Likely benign. Last evaluated: 2024-01-01. Review status: criteria provided, single submitter. Criteria: CeGaT Center For Human Genetics Tuebingen Variant Classification Criteria Version 2. Collection method: clinical testing. Allele origin: germline. Affected: yes. Observed: 1 variant allele.
Comment: BIN1: BP4, BP7

GeneDx
Classification: Likely benign. Last evaluated: 2017-08-18. Review status: criteria provided, single submitter. Criteria: GeneDx Variant Classification (06012015). Collection method: clinical testing. Allele origin: germline. Affected: yes.
Comment: This variant is considered likely benign or benign based on one or more of the following criteria: it is a conservative change, it occurs at a poorly conserved position in the protein, it is predicted to be benign by multiple in silico algorithms, and/or has population frequency not consistent with disease.

Eurofins Ntd Llc (ga)
Classification: Uncertain significance. Last evaluated: 2016-06-03. Review status: criteria provided, single submitter. Criteria: EGL Classification Definitions 2015. Collection method: clinical testing. Allele origin: germline. Observed: 1 variant allele, 1 heterozygote.